The following is an entry in ClinVar:

NM_003924.4(PHOX2B):c.768A>G (p.Ala256=)

Genes: PHOX2B (paired like homeobox 2B; minus strand), LOC110011216 (paired like homeobox 2b polyalanine repeat instability region; plus strand). Cytogenetic location: 4p13.
Variant type: single nucleotide variant.
Coding change: c.768A>G on transcript NM_003924.4 (MANE Select); coding-DNA position 768, A replaced by G.
Protein change: p.Ala256=; no amino-acid change (alanine 256 retained).
Molecular consequence: synonymous variant.
Genome position (GRCh38, 1-based): chr4:41,745,984, T>C on the plus strand (A>G on the coding strand, the complement: PHOX2B is on the minus strand). VCF-style: chr4-41745984-T-C. GRCh37 (hg19) VCF-style: chr4-41748001-T-C.
Identifiers: ClinVar variation 467743 (VCV000467743.27), dbSNP rs574093401, ClinGen allele CA2901432.

ClinVar aggregate classification (germline): Likely benign. Review status: criteria provided, multiple submitters, no conflicts (2 of 4 stars). 3 submissions from 3 submitters: Likely benign (3). Last evaluated 2025-04-21.

Conditions:
Haddad syndrome (OHD). Also called: Ondine-Hirschsprung disease. Identifiers: Orphanet 99803, MedGen C1859049, MONDO:0020493.
Hereditary cancer-predisposing syndrome. Also called: Hereditary neoplastic syndrome; Tumor predisposition; Neoplastic Syndromes, Hereditary; Hereditary Cancer Syndrome. Identifiers: Orphanet 140162, MedGen C0027672, MeSH D009386, MONDO:0015356.

Allele frequency attached by ClinVar (database versions not stated): gnomAD 0.00001; ExAC 0.00015; gnomAD exomes 0.00056; 1000 Genomes Project 0.00160.

Submissions (3):

Labcorp Genetics (formerly Invitae), Labcorp
Classification: Likely benign for Haddad syndrome. Last evaluated: 2025-04-21. Review status: criteria provided, single submitter. Criteria: Invitae Variant Classification Sherloc (09022015). Collection method: clinical testing. Allele origin: germline.

CeGaT Center for Human Genetics Tuebingen
Classification: Likely benign. Last evaluated: 2024-09-01. Review status: criteria provided, single submitter. Criteria: CeGaT Center For Human Genetics Tuebingen Variant Classification Criteria Version 2. Collection method: clinical testing. Allele origin: germline. Affected: yes. Observed: 1 variant allele.
Comment: PHOX2B: BP4, BP7

Ambry Genetics
Classification: Likely benign for Hereditary cancer-predisposing syndrome. Last evaluated: 2022-07-30. Review status: criteria provided, single submitter. Criteria: Ambry Variant Classification Scheme 2023. Collection method: clinical testing. Allele origin: germline.